The following is an entry in ClinVar:

ClinVar aggregate classification (germline): Uncertain significance (1 of 4 stars; one submission).

Allele frequency attached by ClinVar (database versions not stated): TOPMed below 0.00001.
gnomAD v4.1: 1 of 1,612,884 alleles (0.000062%); highest among the groups gnomAD compares: Non-Finnish European, 0.000085%; no homozygotes.

Submission:

Labcorp Genetics (formerly Invitae), Labcorp
Classification: Uncertain significance. Last evaluated: 2022-03-11. Review status: criteria provided, single submitter. Criteria: Invitae Variant Classification Sherloc (09022015). Collection method: clinical testing. Allele origin: germline.
Comment: In summary, the available evidence is currently insufficient to determine the role of this variant in disease. Therefore, it has been classified as a Variant of Uncertain Significance. Algorithms developed to predict the effect of missense changes on protein structure and function are either unavailable or do not agree on the potential impact of this missense change (SIFT: "Deleterious"; PolyPhen-2: "Probably Damaging"; Align-GVGD: "Class C0"). This variant has not been reported in the literature in individuals affected with CLCC1-related conditions. This variant is not present in population databases (gnomAD no frequency). This sequence change replaces leucine, which is neutral and non-polar, with isoleucine, which is neutral and non-polar, at codon 155 of the CLCC1 protein (p.Leu155Ile).

NM_001377458.1(CLCC1):c.463C>A (p.Leu155Ile)

Gene: CLCC1 (chloride channel CLIC like 1; minus strand). Cytogenetic location: 1p13.3.
Variant type: single nucleotide variant.
Coding change: c.463C>A on transcript NM_001377458.1 (MANE Select); coding-DNA position 463, C replaced by A.
Protein change: p.Leu155Ile; replaces leucine 155 with isoleucine.
Molecular consequence: missense variant. On other transcripts: non-coding transcript variant (1), intron variant (3).
Genome position (GRCh38, 1-based): chr1:108,943,934, G>T on the plus strand (C>A on the coding strand, the complement: CLCC1 is on the minus strand). VCF-style: chr1-108943934-G-T. GRCh37 (hg19) VCF-style: chr1-109486556-G-T.
Other names: c.463C>A, p.Leu155Ile (NM_001048210.3, NM_001377459.1, NM_001377460.1 and 8 more transcripts); c.361C>A, p.Leu121Ile (NM_001377469.1); c.172C>A, p.Leu58Ile (NM_001377470.1); c.340-27C>A (NM_015127.5); c.340-2436C>A (NM_001278202.2); c.339+3677C>A (NM_001278203.1); short protein forms L58I, L155I, L121I.
Identifiers: ClinVar variation 1911667 (VCV001911667.3), dbSNP rs1374274545, ClinGen allele CA341464034.